The following is an entry in ClinVar:

NM_001035.3(RYR2):c.10372C>T (p.Arg3458Trp)

Gene: RYR2 (ryanodine receptor 2; plus strand). Cytogenetic location: 1q43.
Variant type: single nucleotide variant.
Coding change: c.10372C>T on transcript NM_001035.3 (MANE Select); coding-DNA position 10372, C replaced by T.
Protein change: p.Arg3458Trp; replaces arginine 3458 with tryptophan.
Molecular consequence: missense variant.
Genome position (GRCh38, 1-based): chr1:237,717,246, C>T. VCF-style: chr1-237717246-C-T. GRCh37 (hg19) VCF-style: chr1-237880546-C-T.
Other names: short protein forms R3458W.
Identifiers: ClinVar variation 2994811 (VCV002994811.4), dbSNP rs1338386727, ClinGen allele CA345414335.

ClinVar aggregate classification (germline): Uncertain significance. Review status: criteria provided, multiple submitters, no conflicts (2 of 4 stars). 2 submissions from 2 submitters: Uncertain significance (2). Last evaluated 2024-04-16.

Conditions:
Catecholaminergic polymorphic ventricular tachycardia 1. Also called: RYR2-Related Catecholaminergic Polymorphic Ventricular Tachycardia; VENTRICULAR TACHYCARDIA, STRESS-INDUCED POLYMORPHIC 1; VENTRICULAR TACHYCARDIA, CATECHOLAMINERGIC POLYMORPHIC, 1, WITH OR WITHOUT ATRIAL DYSFUNCTION AND/OR DILATED CARDIOMYOPATHY. Identifiers: Orphanet 3286, MedGen C1631597, MONDO:0011484, OMIM 604772.
Catecholaminergic polymorphic ventricular tachycardia (CVPT). Also called: Catecholamine-induced polymorphic ventricular tachycardia. Identifiers: Orphanet 3286, MedGen C5574922, MONDO:0017990.

gnomAD v4.1: 7 of 1,613,542 alleles (0.00043%); highest among the groups gnomAD compares: Non-Finnish European, 0.00051%; no homozygotes.

Submissions (2):

All of Us Research Program, National Institutes of Health
Classification: Uncertain significance for Catecholaminergic polymorphic ventricular tachycardia. Last evaluated: 2024-04-16. Review status: criteria provided, single submitter. Criteria: ACMG Guidelines, 2015. Collection method: clinical testing. Allele origin: germline. Inheritance: Autosomal dominant inheritance. Observed: 1 variant allele, 1 heterozygote.
Comment: This missense variant replaces arginine with tryptophan at codon 3458 of the RYR2 protein. Computational prediction is inconclusive regarding the impact of this variant on protein structure and function (internally defined REVEL score threshold 0.5 < inconclusive < 0.7, PMID: 27666373). To our knowledge, functional studies have not been reported for this variant. This variant has not been reported in individuals affected with RYR2-related disorders in the literature. This variant has not been identified in the general population by the Genome Aggregation Database (gnomAD). The available evidence is insufficient to determine the role of this variant in disease conclusively. Therefore, this variant is classified as a Variant of Uncertain Significance.

This study involves interpretation of variants in research participants for the purpose of population health screening. Participant phenotype was not available at the time of variant classification. Additional details can be found in publication PMID: 35346344, PMCID: PMC8962531

Labcorp Genetics (formerly Invitae), Labcorp
Classification: Uncertain significance for Catecholaminergic polymorphic ventricular tachycardia 1. Last evaluated: 2023-10-16. Review status: criteria provided, single submitter. Criteria: Invitae Variant Classification Sherloc (09022015). Collection method: clinical testing. Allele origin: germline.
Comment: This sequence change replaces arginine, which is basic and polar, with tryptophan, which is neutral and slightly polar, at codon 3458 of the RYR2 protein (p.Arg3458Trp). This variant is not present in population databases (gnomAD no frequency). This variant has not been reported in the literature in individuals affected with RYR2-related conditions. Advanced modeling of protein sequence and biophysical properties (such as structural, functional, and spatial information, amino acid conservation, physicochemical variation, residue mobility, and thermodynamic stability) has been performed at Invitae for this missense variant, however the output from this modeling did not meet the statistical confidence thresholds required to predict the impact of this variant on RYR2 protein function. In summary, the available evidence is currently insufficient to determine the role of this variant in disease. Therefore, it has been classified as a Variant of Uncertain Significance.